The following is an entry in ClinVar:

NM_000257.4(MYH7):c.842G>A (p.Arg281Lys)

Gene: MYH7 (myosin heavy chain 7; minus strand). Cytogenetic location: 14q11.2.
Variant type: single nucleotide variant.
Coding change: c.842G>A on transcript NM_000257.4 (MANE Select); coding-DNA position 842, G replaced by A.
Protein change: p.Arg281Lys; replaces arginine 281 with lysine.
Molecular consequence: missense variant.
Genome position (GRCh38, 1-based): chr14:23,430,954, C>T on the plus strand (G>A on the coding strand, the complement: MYH7 is on the minus strand). VCF-style: chr14-23430954-C-T. GRCh37 (hg19) VCF-style: chr14-23900163-C-T.
Other names: short protein forms R281K.
Identifiers: ClinVar variation 524957 (VCV000524957.11), dbSNP rs730880856, ClinGen allele CA389051926.

ClinVar aggregate classification (germline): Uncertain significance. Review status: criteria provided, multiple submitters, no conflicts (2 of 4 stars). 2 submissions from 2 submitters: Uncertain significance (2). Last evaluated 2023-04-09.

Conditions:
Hypertrophic cardiomyopathy. Also called: HYPERTROPHIC MYOCARDIOPATHY. Identifiers: Orphanet 217569, MedGen C0007194, MeSH D002312, MONDO:0005045, HP:0001639.
Cardiovascular phenotype. Identifiers: MedGen CN230736.

Submissions (2):

Labcorp Genetics (formerly Invitae), Labcorp
Classification: Uncertain significance for Hypertrophic cardiomyopathy. Last evaluated: 2023-04-09. Review status: criteria provided, single submitter. Criteria: Invitae Variant Classification Sherloc (09022015). Collection method: clinical testing. Allele origin: germline.
Comment: This sequence change replaces arginine, which is basic and polar, with lysine, which is basic and polar, at codon 281 of the MYH7 protein (p.Arg281Lys). In summary, the available evidence is currently insufficient to determine the role of this variant in disease. Therefore, it has been classified as a Variant of Uncertain Significance. This variant disrupts the p.Arg281Thr amino acid residue in MYH7. Other variant(s) that disrupt this residue have been determined to be pathogenic (PMID: 18159245, 27532257). This suggests that this residue is clinically significant, and that variants that disrupt this residue are likely to be disease-causing. Advanced modeling of protein sequence and biophysical properties (such as structural, functional, and spatial information, amino acid conservation, physicochemical variation, residue mobility, and thermodynamic stability) performed at Invitae indicates that this missense variant is expected to disrupt MYH7 protein function. ClinVar contains an entry for this variant (Variation ID: 524957). This variant has not been reported in the literature in individuals affected with MYH7-related conditions. This variant is not present in population databases (gnomAD no frequency).

Ambry Genetics
Classification: Uncertain significance for Cardiovascular phenotype. Last evaluated: 2022-12-30. Review status: criteria provided, single submitter. Criteria: Ambry Variant Classification Scheme 2023. Collection method: clinical testing. Allele origin: germline.
Comment: The p.R281K variant (also known as c.842G>A), located in coding exon 8 of the MYH7 gene, results from a G to A substitution at nucleotide position 842. The arginine at codon 281 is replaced by lysine, an amino acid with highly similar properties. This amino acid position is highly conserved in available vertebrate species. In addition, the in silico prediction for this alteration is inconclusive. Since supporting evidence is limited at this time, the clinical significance of this alteration remains unclear.

Literature cited by the submitters: PubMed 18159245 (cited by Labcorp Genetics (formerly Invitae), Labcorp); PubMed 27532257 (cited by Labcorp Genetics (formerly Invitae), Labcorp).